The following is an entry in ClinVar:

ClinVar aggregate classification (germline): Uncertain significance (1 of 4 stars; one submission).

Conditions:
Fanconi anemia (FA). Also called: Fanconi's anemia. Identifiers: Orphanet 84, MedGen C0015625, MeSH D005199, MONDO:0019391.

Submission:

Labcorp Genetics (formerly Invitae), Labcorp
Classification: Uncertain significance for Fanconi anemia. Last evaluated: 2024-10-16. Review status: criteria provided, single submitter. Criteria: Invitae Variant Classification Sherloc (09022015). Collection method: clinical testing. Allele origin: germline.
Comment: This sequence change replaces histidine, which is basic and polar, with glutamine, which is neutral and polar, at codon 638 of the FANCM protein (p.His638Gln). This variant is not present in population databases (gnomAD no frequency). This variant has not been reported in the literature in individuals affected with FANCM-related conditions. ClinVar contains an entry for this variant (Variation ID: 2000717). An algorithm developed to predict the effect of missense changes on protein structure and function (PolyPhen-2) suggests that this variant is likely to be tolerated. In summary, the available evidence is currently insufficient to determine the role of this variant in disease. Therefore, it has been classified as a Variant of Uncertain Significance.

NM_020937.4(FANCM):c.1914C>G (p.His638Gln)

Gene: FANCM (FA complementation group M; plus strand). Cytogenetic location: 14q21.2.
Variant type: single nucleotide variant.
Coding change: c.1914C>G on transcript NM_020937.4 (MANE Select); coding-DNA position 1914, C replaced by G.
Protein change: p.His638Gln; replaces histidine 638 with glutamine.
Molecular consequence: missense variant.
Genome position (GRCh38, 1-based): chr14:45,167,075, C>G. VCF-style: chr14-45167075-C-G. GRCh37 (hg19) VCF-style: chr14-45636278-C-G.
Other names: c.1836C>G, p.His612Gln (NM_001308133.2); c.1914C>G, p.His638Gln (NM_001308134.2); short protein forms H612Q, H638Q.
Identifiers: ClinVar variation 2000717 (VCV002000717.4), dbSNP rs2503150732, ClinGen allele CA389595047.